The following is an entry in ClinVar:

NM_004990.4(MARS1):c.1793G>A (p.Arg598His)

Gene: MARS1 (methionyl-tRNA synthetase 1; plus strand). Cytogenetic location: 12q13.3.
Variant type: single nucleotide variant.
Coding change: c.1793G>A on transcript NM_004990.4 (MANE Select); coding-DNA position 1793, G replaced by A.
Protein change: p.Arg598His; replaces arginine 598 with histidine.
Molecular consequence: missense variant.
Genome position (GRCh38, 1-based): chr12:57,512,790, G>A. VCF-style: chr12-57512790-G-A. GRCh37 (hg19) VCF-style: chr12-57906573-G-A.
Other names: short protein forms R598H.
Identifiers: ClinVar variation 1172763 (VCV001172763.9), dbSNP rs749954063, ClinGen allele CA6650623.

ClinVar aggregate classification (germline): Conflicting classifications of pathogenicity. Review status: criteria provided, conflicting classifications (1 of 4 stars). 3 submissions from 3 submitters: Likely pathogenic (1); Uncertain significance (2). Last evaluated 2025-10-22.

Conditions:
MARS1-related disorder. Also called: MARS1-related condition.
Charcot-Marie-Tooth disease axonal type 2U. Also called: CHARCOT-MARIE-TOOTH NEUROPATHY, TYPE 2U; CHARCOT-MARIE-TOOTH DISEASE, AXONAL, AUTOSOMAL DOMINANT, TYPE 2U. Identifiers: Orphanet 397735, MedGen C4084821, MONDO:0014566, OMIM 616280.
Severe early-onset pulmonary alveolar proteinosis due to MARS deficiency. Also called: PULMONARY ALVEOLAR PROTEINOSIS, REUNION ISLAND; Interstitial lung and liver disease. Identifiers: Orphanet 440427, MedGen C4225400, MONDO:0014206, OMIM 615486.

Allele frequency attached by ClinVar (database versions not stated): gnomAD 0.00001; gnomAD exomes 0.00002 and 0.00004; TOPMed 0.00002; ExAC 0.00007.
gnomAD v4.1: 36 of 1,614,052 alleles (0.0022%); highest among the groups gnomAD compares: East Asian, 0.02%; no homozygotes.

Submissions (3):

PreventionGenetics, part of Exact Sciences
Classification: Uncertain significance for MARS1-related condition. Last evaluated: 2025-10-22. Review status: criteria provided, single submitter. Criteria: ACMG Guidelines, 2015. Collection method: clinical testing. Allele origin: germline.
Comment: The MARS1 c.1793G>A variant is predicted to result in the amino acid substitution p.Arg598His. This variant has been reported in the compound heterozygous state in an individual with interstitial lung and liver disease (P2, Supp. Table 3, Liu et al. 2021. PubMed ID: 34298581). This variant is reported in 0.025% of alleles in individuals of East Asian descent in gnomAD. At this time, the clinical significance of this variant is uncertain due to the absence of conclusive functional and genetic evidence.

Labcorp Genetics (formerly Invitae), Labcorp
Classification: Uncertain significance for Charcot-Marie-Tooth disease axonal type 2U; Severe early-onset pulmonary alveolar proteinosis due to MARS deficiency. Last evaluated: 2023-09-18. Review status: criteria provided, single submitter. Criteria: Invitae Variant Classification Sherloc (09022015). Collection method: clinical testing. Allele origin: germline.
Comment: In summary, the available evidence is currently insufficient to determine the role of this variant in disease. Therefore, it has been classified as a Variant of Uncertain Significance. An algorithm developed to predict the effect of missense changes on protein structure and function (PolyPhen-2) suggests that this variant is likely to be disruptive. ClinVar contains an entry for this variant (Variation ID: 1172763). This missense change has been observed in individual(s) with interstitial lung and liver disease (PMID: 34298581). This variant is present in population databases (rs749954063, gnomAD 0.02%). This sequence change replaces arginine, which is basic and polar, with histidine, which is basic and polar, at codon 598 of the MARS protein (p.Arg598His).

The Laboratory of Genetics and Metabolism, Hunan Children’s Hospital
Classification: Likely pathogenic for Severe early-onset pulmonary alveolar proteinosis due to MARS deficiency. Last evaluated: 2021-03-06. Review status: criteria provided, single submitter. Criteria: ACMG Guidelines, 2015. Collection method: research. Allele origin: germline. Affected: yes. Observed: 1 variant allele.
Comment: In compound heterozygosity following autosomal recessive inheritance.

Literature cited by the submitters: PubMed 34298581 (cited by Labcorp Genetics (formerly Invitae), Labcorp and The Laboratory of Genetics and Metabolism, Hunan Children’s Hospital).